The following is an entry in ClinVar:

NM_006531.5(IFT88):c.878A>G (p.Asn293Ser)

Gene: IFT88 (intraflagellar transport 88; plus strand). Cytogenetic location: 13q12.11.
Variant type: single nucleotide variant.
Coding change: c.878A>G on transcript NM_006531.5 (MANE Select); coding-DNA position 878, A replaced by G.
Protein change: p.Asn293Ser; replaces asparagine 293 with serine.
Molecular consequence: missense variant. On other transcripts: non-coding transcript variant (5), intron variant (7).
Genome position (GRCh38, 1-based): chr13:20,601,770, A>G. VCF-style: chr13-20601770-A-G. GRCh37 (hg19) VCF-style: chr13-21175909-A-G.
Other names: c.821A>G, p.Asn274Ser (NM_001318491.2, NM_001353573.2, NM_001353575.2); c.905A>G, p.Asn302Ser (NM_001318493.2, NM_001353565.2, NM_001353566.2 and 2 more transcripts); c.878A>G, p.Asn293Ser (NM_001353568.2, NM_001353572.2); c.245A>G, p.Asn82Ser (NM_001353579.2); c.883+22A>G (NM_001353570.2, NM_001353576.2, NM_001353577.2 and 1 more transcripts); c.856+22A>G (NM_001353571.2, NM_001353578.2); c.799+22A>G (NM_001353574.2); c.905A>G (NM_175605.3); short protein forms N274S, N82S, N293S, N302S.
Identifiers: ClinVar variation 2186051 (VCV002186051.5), dbSNP rs771449493, ClinGen allele CA6905208.
Genomic context (GRCh38, chr13:20,601,770, plus strand): 5'-AAATAATGCAGAATATTGGAGTTACATTTATTCAGGCTGGTCAGTATTCAGATGCTATTA[A>G]TTCATATGAGCACATAATGAGCATGGCACCAAATCTGAAGGCAGGCTACAACCTAACTAT-3'
Protein context (NP_006522.2, residues 283-303): IQAGQYSDAI[Asn293Ser]SYEHIMSMAP

ClinVar aggregate classification (germline): Uncertain significance. Review status: criteria provided, multiple submitters, no conflicts (2 of 4 stars). 2 submissions from 2 submitters: Uncertain significance (2). Last evaluated 2025-10-01.

Allele frequency attached by ClinVar (database versions not stated): gnomAD 0.00001; ExAC 0.00002; TOPMed 0.00002; gnomAD exomes 0.00004.
gnomAD v4.1: 59 of 1,613,160 alleles (0.0037%); highest among the groups gnomAD compares: Non-Finnish European, 0.0046%; no homozygotes.

Submissions (2):

Labcorp Genetics (formerly Invitae), Labcorp
Classification: Uncertain significance. Last evaluated: 2025-10-01. Review status: criteria provided, single submitter. Criteria: Invitae Variant Classification Sherloc (09022015). Collection method: clinical testing. Allele origin: germline.
Comment: This sequence change replaces asparagine, which is neutral and polar, with serine, which is neutral and polar, at codon 302 of the IFT88 protein (p.Asn302Ser). This variant is present in population databases (rs771449493, gnomAD 0.005%). This variant has not been reported in the literature in individuals affected with IFT88-related conditions. ClinVar contains an entry for this variant (Variation ID: 2186051). An algorithm developed to predict the effect of missense changes on protein structure and function outputs the following: PolyPhen-2: "Benign". The serine amino acid residue is found in multiple mammalian species, which suggests that this missense change does not adversely affect protein function. In summary, the available evidence is currently insufficient to determine the role of this variant in disease. Therefore, it has been classified as a Variant of Uncertain Significance.

Ambry Genetics
Classification: Uncertain significance. Last evaluated: 2023-11-22. Review status: criteria provided, single submitter. Criteria: Ambry Variant Classification Scheme 2023. Collection method: clinical testing. Allele origin: germline.